The following continues an entry in ClinVar:

NM_000441.2(SLC26A4):c.919-2A>G

Gene: SLC26A4. ClinVar aggregate classification (germline): Pathogenic. Pathogenic (1).

Submissions 24 to 35 of 35:

Genetics Research Center, University of Social Welfare and Rehabilitation Sciences
Classification: Pathogenic for Autosomal recessive nonsyndromic hearing loss 4. Review status: criteria provided, single submitter. Criteria: ACMG Guidelines, 2015. Collection method: research. Allele origin: germline. Affected: yes. Not counted in ClinVar's aggregate classification.
Comment: The variant is present in the gnomAD v2.1.1 dataset at a very low allele frequency (0.04%) and has been previously reported in individual(s) affected with SLC26A4-related hearing loss (PMID:20301640; 35159965; 31599023; 30303587; 25372295; 24007330; 23958391; 23718755; 23151025; 20668687; 19786220; 19426954; 18641518; 17718863; 17443271; 16924389; 16711435; 15679828; 15574297; 14679580; 14508505; 12676893; 11502831; 10874637). It has also been observed to segregate with disease in the family. In silico RNA splicing prediction tools indicate that the variant is likely to alter normal splicing, potentially resulting in loss or disruption of normal protein function.

Juno Genomics, Hangzhou Juno Genomics, Inc
Classification: Pathogenic for Autosomal recessive nonsyndromic hearing loss 4; Pendred syndrome. Review status: criteria provided, single submitter. Criteria: ACMG Guidelines, 2015. Collection method: clinical testing. Allele origin: germline. Affected: yes. Not counted in ClinVar's aggregate classification.
Comment: Null variant in a gene where loss of function (LOF) is a known mechanism of disease.;For recessive disorders, detected in trans with a pathogenic variant.;Co-segregation with disease in multiple affected family members in a gene definitively known to cause the disease.;Allele frequency is greater than expected for disorder.

Department of Reproductive Genetics, International Peace Maternity and Child Health Hospital, Shanghai Jiao Tong University School of Medicine
Classification: Pathogenic for Deafness, autosomal recessive 4. Last evaluated: 2025-05-01. Review status: no assertion criteria provided. Collection method: clinical testing. Allele origin: inherited. Affected: yes. Not counted in ClinVar's aggregate classification.

Department of Rehabilitation, Anhui Provincial Children's Hospital
Classification: Pathogenic for Autosomal recessive nonsyndromic hearing loss 4. Last evaluated: 2022-12-15. Review status: no assertion criteria provided. Collection method: clinical testing. Allele origin: unknown. Affected: yes. Not counted in ClinVar's aggregate classification.
Comment: The c.919-2A>G variant in the SLC26A4 gene is a splice-site mutation that results in abnormal gene splicing, thereby affecting gene function. This variant is recorded in the gnomAD database with a population frequency of 0.00041.

The Core Laboratory in Medical Center of Clinical Research, Shanghai Ninth People's Hospital, Shanghai Jiaotong University School of Medicine
Classification: Pathogenic for Pendred syndrome. Last evaluated: 2020-05-12. Review status: no assertion criteria provided. Collection method: clinical testing. Allele origin: inherited. Affected: yes. Observed: 3 variant alleles. Clinical features observed: Elevated TSH levels, low T4 levels, Goiter, normal T3 levels, normal T4 levels, normal thyroid, low T3 levels. Not counted in ClinVar's aggregate classification.

National Institute of Sensory Organs, National Hospital Organization Tokyo Medical Center
Classification: Affects for Autosomal recessive nonsyndromic hearing loss 4. Last evaluated: 2019-08-20. Review status: no assertion criteria provided. Collection method: clinical testing, in vitro. Allele origin: inherited, germline. Inheritance: Autosomal recessive inheritance. Affected: yes. Functional consequence: sequence_variant_affecting_splicing. Not counted in ClinVar's aggregate classification.
Comment: in vitro experiment

Genetic Testing Center for Deafness, Department of Otolaryngology Head & Neck Surgery, Institute of Otolaryngology, Chinese PLA General Hospital
Classification: Pathogenic for Autosomal recessive nonsyndromic hearing loss 4. Last evaluated: 2019-02-26. Review status: no assertion criteria provided. Collection method: case-control. Allele origin: inherited. Affected: yes. Observed: 11 variant alleles. Clinical features observed: hearing loss. Not counted in ClinVar's aggregate classification.

OMIM
Classification: Pathogenic for DEAFNESS, AUTOSOMAL RECESSIVE 4, WITH ENLARGED VESTIBULAR AQUEDUCT. Last evaluated: 2009-05-01. Review status: no assertion criteria provided. Collection method: literature only. Allele origin: germline. Not counted in ClinVar's aggregate classification.

Clinical Genetics DNA and cytogenetics Diagnostics Lab, Erasmus MC, Erasmus Medical Center
Classification: Pathogenic. Review status: no assertion criteria provided. Collection method: clinical testing. Allele origin: germline. Affected: yes. Study: VKGL Data-share Consensus. Not counted in ClinVar's aggregate classification.

GeneReviews
No classification provided. Condition: Pendred syndrome. Review status: no classification provided. Collection method: literature only. Allele origin: germline. Not counted in ClinVar's aggregate classification.

Joint Genome Diagnostic Labs from Nijmegen and Maastricht, Radboudumc and MUMC+
Classification: Pathogenic. Review status: no assertion criteria provided. Collection method: clinical testing. Allele origin: germline. Affected: yes. Study: VKGL Data-share Consensus. Not counted in ClinVar's aggregate classification.

University of Washington Center for Mendelian Genomics, University of Washington
Classification: Likely pathogenic for non-syndromic autosomal recessive hearing loss. Review status: no assertion criteria provided. Collection method: research. Allele origin: inherited. Affected: yes. Not counted in ClinVar's aggregate classification.

Literature cited by the submitters: PubMed 10874637 (cited by 8 submitters); PubMed 23151025 (cited by 6 submitters); PubMed 18641518 (cited by 4 submitters); PubMed 38378613 (cited by Department of Otolaryngology Head and Neck Surgery, Hainan Hospital of the Chinese People’s Liberation Army General Hospital); PubMed 30192042 (cited by Department of Otolaryngology Head and Neck Surgery, Hainan Hospital of the Chinese People’s Liberation Army General Hospital); PubMed 37107686 (cited by Department of Otolaryngology Head and Neck Surgery, Hainan Hospital of the Chinese People’s Liberation Army General Hospital); PubMed 11502831 (cited by 3 submitters); PubMed 16711435 (cited by 3 submitters); PubMed 23958391 (cited by 3 submitters); PubMed 24007330 (cited by 3 submitters); PubMed 15574297 (cited by 4 submitters); PubMed 35159965 (cited by Keimyung University Dongsan Hospital, Keimyung University School of Medicine and Genetics Research Center, University of Social Welfare and Rehabilitation Sciences); PubMed 25372295 (cited by Victorian Clinical Genetics Services, Murdoch Childrens Research Institute and Genetics Research Center, University of Social Welfare and Rehabilitation Sciences); PubMed 20301640 (cited by Victorian Clinical Genetics Services, Murdoch Childrens Research Institute and Genetics Research Center, University of Social Welfare and Rehabilitation Sciences); PubMed 23918157 (cited by 3billion); PubMed 17718863 (cited by 3 submitters); PubMed 14679580 (cited by Laboratory for Molecular Medicine, Mass General Brigham Personalized Medicine and Genetics Research Center, University of Social Welfare and Rehabilitation Sciences); PubMed 15679828 (cited by 3 submitters); PubMed 12676893 (cited by Laboratory for Molecular Medicine, Mass General Brigham Personalized Medicine and Genetics Research Center, University of Social Welfare and Rehabilitation Sciences); PubMed 14508505 (cited by Laboratory for Molecular Medicine, Mass General Brigham Personalized Medicine and Genetics Research Center, University of Social Welfare and Rehabilitation Sciences); PubMed 19426954 (cited by 3 submitters); PubMed 20668687 (cited by Laboratory for Molecular Medicine, Mass General Brigham Personalized Medicine and Genetics Research Center, University of Social Welfare and Rehabilitation Sciences); PubMed 19786220 (cited by Laboratory for Molecular Medicine, Mass General Brigham Personalized Medicine and Genetics Research Center, University of Social Welfare and Rehabilitation Sciences); PubMed 16924389 (cited by Laboratory for Molecular Medicine, Mass General Brigham Personalized Medicine and Genetics Research Center, University of Social Welfare and Rehabilitation Sciences); PubMed 23718755 (cited by Laboratory for Molecular Medicine, Mass General Brigham Personalized Medicine and Genetics Research Center, University of Social Welfare and Rehabilitation Sciences); PubMed 31599023 (cited by Genetics Research Center, University of Social Welfare and Rehabilitation Sciences and National Institute of Sensory Organs, National Hospital Organization Tokyo Medical Center); PubMed 30303587 (cited by Genetics Research Center, University of Social Welfare and Rehabilitation Sciences and University of Washington Center for Mendelian Genomics, University of Washington); PubMed 17443271 (cited by Genetics Research Center, University of Social Welfare and Rehabilitation Sciences and OMIM); NCBI Bookshelf NBK1467 (cited by GeneReviews).